The following is an entry in ClinVar:

NM_001378454.1(ALMS1):c.1045A>T (p.Lys349Ter)

Gene: ALMS1 (ALMS1 centrosome and basal body associated protein; plus strand). Cytogenetic location: 2p13.1.
Variant type: single nucleotide variant.
Coding change: c.1045A>T on transcript NM_001378454.1 (MANE Select); coding-DNA position 1045, A replaced by T.
Protein change: p.Lys349Ter; replaces lysine 349 with a stop codon.
Molecular consequence: nonsense.
Genome position (GRCh38, 1-based): chr2:73,424,710, A>T. VCF-style: chr2-73424710-A-T. GRCh37 (hg19) VCF-style: chr2-73651838-A-T.
Other names: c.1048A>T, p.Lys350Ter (NM_015120.4); short protein forms K349*, K350*.
Identifiers: ClinVar variation 1726784 (VCV001726784.3), dbSNP rs1467207143, ClinGen allele CA347261372.

ClinVar aggregate classification (germline): Pathogenic/Likely pathogenic. Review status: criteria provided, multiple submitters, no conflicts (2 of 4 stars). 2 submissions from 2 submitters: Pathogenic (1); Likely pathogenic (1). Last evaluated 2025-03-27.

Conditions:
Alstrom syndrome (ALMS). Identifiers: Orphanet 64, MedGen C0268425, MONDO:0008763, OMIM 203800.

Submissions (2):

Labcorp Genetics (formerly Invitae), Labcorp
Classification: Pathogenic for Alstrom syndrome. Last evaluated: 2025-03-27. Review status: criteria provided, single submitter. Criteria: Invitae Variant Classification Sherloc (09022015). Collection method: clinical testing. Allele origin: germline.
Comment: This sequence change creates a premature translational stop signal (p.Lys350*) in the ALMS1 gene. It is expected to result in an absent or disrupted protein product. Loss-of-function variants in ALMS1 are known to be pathogenic (PMID: 17594715). This variant is not present in population databases (gnomAD no frequency). This variant has not been reported in the literature in individuals affected with ALMS1-related conditions. ClinVar contains an entry for this variant (Variation ID: 1726784). For these reasons, this variant has been classified as Pathogenic.

Myriad Genetics, Inc.
Classification: Likely pathogenic for Alstrom syndrome. Last evaluated: 2022-01-02. Review status: criteria provided, single submitter. Criteria: Myriad Women's Health Autosomal Recessive and X-Linked Classification Criteria (2021). Collection method: clinical testing. Allele origin: unknown.
Comment: NM_015120.4(ALMS1):c.1048A>T(K350*) is expected to be pathogenic in the context of Alstrom syndrome. This variant is predicted to lead to an abnormal or absent protein product due to the creation of a premature termination codon in ALMS1, a gene where loss-of-function variants are known to be pathogenic. Please note: this variant was assessed in the context of healthy population screening.

Literature cited by the submitters: PubMed 17594715 (cited by Labcorp Genetics (formerly Invitae), Labcorp).